The following is an entry in ClinVar:

ClinVar aggregate classification (germline): Likely pathogenic (0 of 4 stars; one submission).

Conditions:
Seizure. Also called: Seizures. Identifiers: MedGen C0036572, HP:0001250.
Cognitive impairment. Also called: cognitive deficit. Identifiers: MedGen C0338656, HP:0100543.
Global developmental delay (DD). Also called: Cognitive delay. Identifiers: MedGen C0557874, HP:0001263. Disease mechanism: loss of function.

Allele frequency attached by ClinVar (database versions not stated): TOPMed below 0.00001; gnomAD 0.00001 and 0.00003; ExAC 0.00005; gnomAD exomes 0.00006; 1000 Genomes Project 30x 0.00031.
gnomAD v4.1: 15 of 1,606,052 alleles (0.00093%); highest among the groups gnomAD compares: East Asian, 0.034%; no homozygotes.

Submission:

Wainwright Lab, University Of Queensland
Classification: Likely pathogenic for Cognitive impairment; Seizure; Global developmental delay. Review status: no assertion criteria provided. Collection method: clinical testing. Allele origin: germline. Inheritance: Autosomal recessive inheritance. Affected: yes. Observed: 1 compound heterozygote.

NM_019040.5(ELP4):c.272A>G (p.Tyr91Cys)

Gene: ELP4 (elongator acetyltransferase complex subunit 4; plus strand). Cytogenetic location: 11p13.
Variant type: single nucleotide variant.
Coding change: c.272A>G on transcript NM_019040.5 (MANE Select); coding-DNA position 272, A replaced by G.
Protein change: p.Tyr91Cys; replaces tyrosine 91 with cysteine.
Molecular consequence: missense variant.
Genome position (GRCh38, 1-based): chr11:31,539,674, A>G. VCF-style: chr11-31539674-A-G. GRCh37 (hg19) VCF-style: chr11-31561221-A-G.
Other names: c.272A>G, p.Tyr91Cys (NM_001288725.2, NM_001288726.2); short protein forms Y91C.
Identifiers: ClinVar variation 1328942 (VCV001328942.2), dbSNP rs758883150, ClinGen allele CA5933220.